The following is an entry in ClinVar:

NM_001110556.2(FLNA):c.6379G>T (p.Gly2127Cys)

Gene: FLNA (filamin A; minus strand). Cytogenetic location: Xq28.
Variant type: single nucleotide variant.
Coding change: c.6379G>T on transcript NM_001110556.2 (MANE Select); coding-DNA position 6379, G replaced by T.
Protein change: p.Gly2127Cys; replaces glycine 2127 with cysteine.
Molecular consequence: missense variant.
Genome position (GRCh38, 1-based): chrX:154,352,772, C>A on the plus strand (G>T on the coding strand, the complement: FLNA is on the minus strand). VCF-style: chrX-154352772-C-A. GRCh37 (hg19) VCF-style: chrX-153581140-C-A.
Other names: c.6355G>T, p.Gly2119Cys (NM_001456.4); short protein forms G2119C, G2127C.
Identifiers: ClinVar variation 2929606 (VCV002929606.3), dbSNP rs1028791955, ClinGen allele CA337274823.

ClinVar aggregate classification (germline): Uncertain significance (1 of 4 stars; one submission).

Conditions:
Oto-palato-digital syndrome, type II (OPD2). Also called: Otopalatodigital Syndrome Type 2 (FLNA-OPD2); FACIOPALATOOSSEOUS SYNDROME; OPD II SYNDROME; Otopalatodigital Syndrome, Type II. Identifiers: Orphanet 669, Orphanet 90652, MedGen C1844696, MONDO:0010571, OMIM 304120.
Heterotopia, periventricular, X-linked dominant (PVNH1). Also called: PERIVENTRICULAR NODULAR HETEROTOPIA 1; X-linked periventricular heterotopia; PERIVENTRICULAR NODULAR HETEROTOPIA 4; HETEROTOPIA, PERIVENTRICULAR, 1. Identifiers: Orphanet 2149, Orphanet 82004, MedGen C1848213, MONDO:0010233, OMIM 300049.
Melnick-Needles syndrome (MNS). Also called: Melnick-Needles Syndrome (FLNA-MNS); MELNICK-NEEDLES OSTEODYSPLASTY; OSTEODYSPLASTY OF MELNICK AND NEEDLES. Identifiers: Orphanet 2484, MedGen C0025237, MONDO:0010650, OMIM 309350.
Frontometaphyseal dysplasia (FMD1). Identifiers: Orphanet 1826, MedGen C0265293, MONDO:0015942.

Allele frequency attached by ClinVar (database versions not stated): gnomAD 0.00002; TOPMed 0.00002.
gnomAD v4.1: 2 of 1,211,003 alleles (0.00017%); highest among the groups gnomAD compares: African/African-American, 0.0035%; no homozygotes.

Submission:

Labcorp Genetics (formerly Invitae), Labcorp
Classification: Uncertain significance for Oto-palato-digital syndrome, type II; Heterotopia, periventricular, X-linked dominant; Frontometaphyseal dysplasia; Melnick-Needles syndrome. Last evaluated: 2025-07-09. Review status: criteria provided, single submitter. Criteria: Invitae Variant Classification Sherloc (09022015). Collection method: clinical testing. Allele origin: germline.
Comment: This sequence change replaces glycine, which is neutral and non-polar, with cysteine, which is neutral and slightly polar, at codon 2119 of the FLNA protein (p.Gly2119Cys). This variant also falls at the last nucleotide of exon 38, which is part of the consensus splice site for this exon. This variant is not present in population databases (gnomAD no frequency). This variant has not been reported in the literature in individuals affected with FLNA-related conditions. ClinVar contains an entry for this variant (Variation ID: 2929606). An algorithm developed to predict the effect of missense changes on protein structure and function (PolyPhen-2) suggests that this variant is likely to be disruptive. Variants that disrupt the consensus splice site are a relatively common cause of aberrant splicing (PMID: 17576681, 9536098). In summary, the available evidence is currently insufficient to determine the role of this variant in disease. Therefore, it has been classified as a Variant of Uncertain Significance.

Literature cited by the submitters: PubMed 17576681; PubMed 9536098.